The following is an entry in ClinVar:

NM_020987.5(ANK3):c.92G>A (p.Arg31Gln)

Gene: ANK3 (ankyrin 3; minus strand). Cytogenetic location: 10q21.2.
Variant type: single nucleotide variant.
Coding change: c.92G>A on transcript NM_020987.5 (MANE Select); coding-DNA position 92, G replaced by A.
Protein change: p.Arg31Gln; replaces arginine 31 with glutamine.
Molecular consequence: missense variant. On other transcripts: intron variant (2).
Genome position (GRCh38, 1-based): chr10:60,389,447, C>T on the plus strand (G>A on the coding strand, the complement: ANK3 is on the minus strand). VCF-style: chr10-60389447-C-T. GRCh37 (hg19) VCF-style: chr10-62149205-C-T.
Other names: c.92G>A, p.Arg31Gln (NM_001320874.2); c.97-109808G>A (NM_001204403.2); c.64-109808G>A (NM_001204404.2); short protein forms R31Q.
Identifiers: ClinVar variation 1930601 (VCV001930601.5), dbSNP rs141511303, ClinGen allele CA5513552.
Genomic context (GRCh38, chr10:60,389,447, plus strand): 5'-AATCCAGGCAAGATATATGCTCTGGCATACATAGATACCTTTTTCTTCCGATCCCGGGAC[C>T]GTTTGCGGTGTTTCCTTTTTTTCTCAGGCTCTTCTTCAGCATTGATTTCTAAATCCCTGT-3'
Protein context (NP_066267.2, residues 21-41): EPEKKRKHRK[Arg31Gln]SRDRKKKSDA

ClinVar aggregate classification (germline): Uncertain significance (1 of 4 stars; one submission).

Allele frequency attached by ClinVar (database versions not stated): ESP Exome Variant Server 0.00008; 1000 Genomes Project 0.00020; 1000 Genomes Project 30x 0.00031.
gnomAD v4.1: 75 of 1,613,960 alleles (0.0046%); highest among the groups gnomAD compares: Admixed American, 0.028%; no homozygotes.

Submission:

Labcorp Genetics (formerly Invitae), Labcorp
Classification: Uncertain significance. Last evaluated: 2022-06-13. Review status: criteria provided, single submitter. Criteria: Invitae Variant Classification Sherloc (09022015). Collection method: clinical testing. Allele origin: germline.
Comment: This sequence change replaces arginine, which is basic and polar, with glutamine, which is neutral and polar, at codon 31 of the ANK3 protein (p.Arg31Gln). In summary, the available evidence is currently insufficient to determine the role of this variant in disease. Therefore, it has been classified as a Variant of Uncertain Significance. Algorithms developed to predict the effect of missense changes on protein structure and function are either unavailable or do not agree on the potential impact of this missense change (SIFT: "Not Available"; PolyPhen-2: "Benign"; Align-GVGD: "Not Available"). This variant has not been reported in the literature in individuals affected with ANK3-related conditions. This variant is present in population databases (rs141511303, gnomAD 0.02%).